The following is an entry in ClinVar:

ClinVar aggregate classification (germline): Uncertain significance. Review status: criteria provided, multiple submitters, no conflicts (2 of 4 stars). 2 submissions from 2 submitters: Uncertain significance (2). Last evaluated 2022-09-06.

Conditions:
Inborn genetic diseases. Identifiers: MedGen C0950123, MeSH D030342.
Developmental and epileptic encephalopathy, 12 (DEE12). Identifiers: MedGen C3150988, MONDO:0013389, OMIM 613722.

Allele frequency attached by ClinVar (database versions not stated): TOPMed below 0.00001; gnomAD 0.00001; ExAC 0.00002; gnomAD exomes 0.00002.
gnomAD v4.1: 10 of 1,613,700 alleles (0.00062%); highest among the groups gnomAD compares: Non-Finnish European, 0.00085%; no homozygotes.

Submissions (2):

Ambry Genetics
Classification: Uncertain significance for Inborn genetic diseases. Last evaluated: 2022-09-06. Review status: criteria provided, single submitter. Criteria: Ambry Variant Classification Scheme 2023. Collection method: clinical testing. Allele origin: germline.

Labcorp Genetics (formerly Invitae), Labcorp
Classification: Uncertain significance for Developmental and epileptic encephalopathy, 12. Last evaluated: 2021-07-07. Review status: criteria provided, single submitter. Criteria: Invitae Variant Classification Sherloc (09022015). Collection method: clinical testing. Allele origin: germline.
Comment: This sequence change replaces valine with isoleucine at codon 726 of the PLCB1 protein (p.Val726Ile). The valine residue is moderately conserved and there is a small physicochemical difference between valine and isoleucine. This variant is present in population databases (rs756337847, ExAC 0.003%). This variant has not been reported in the literature in individuals affected with PLCB1-related conditions. Algorithms developed to predict the effect of missense changes on protein structure and function output the following: SIFT: "Tolerated"; PolyPhen-2: "Benign"; Align-GVGD: "Class C0". The isoleucine amino acid residue is found in multiple mammalian species, which suggests that this missense change does not adversely affect protein function. In summary, the available evidence is currently insufficient to determine the role of this variant in disease. Therefore, it has been classified as a Variant of Uncertain Significance.

NM_015192.4(PLCB1):c.2176G>A (p.Val726Ile)

Gene: PLCB1 (phospholipase C beta 1; plus strand). Cytogenetic location: 20p12.3.
Variant type: single nucleotide variant.
Coding change: c.2176G>A on transcript NM_015192.4 (MANE Select); coding-DNA position 2176, G replaced by A.
Protein change: p.Val726Ile; replaces valine 726 with isoleucine.
Molecular consequence: missense variant.
Genome position (GRCh38, 1-based): chr20:8,737,160, G>A. VCF-style: chr20-8737160-G-A. GRCh37 (hg19) VCF-style: chr20-8717807-G-A.
Other names: c.2176G>A (NM_015192.2); c.2176G>A, p.Val726Ile (NM_182734.3); short protein forms V726I.
Identifiers: ClinVar variation 1500857 (VCV001500857.8), dbSNP rs756337847, ClinGen allele CA9760154.
Genomic context (GRCh38, chr20:8,737,160, plus strand): 5'-GTGGATACAAGGAGGAAGGCATTTAAGACCAAAACATCCCAAGGAAATGCTGTGAATCCT[G>A]TCTGGGAAGAAGAACCTATTGTGTTCAAAAAGGTTGGTCACATGTTCTTGATATGAGTTA-3'
Protein context (NP_056007.1, residues 716-736): KTSQGNAVNP[Val726Ile]WEEEPIVFKK